The following is an entry in ClinVar:

ClinVar aggregate classification (germline): Uncertain significance (1 of 4 stars; one submission).

Conditions:
Cardiomyopathy (CMYO). Also called: Cardiomyopathies. Identifiers: Orphanet 167848, MedGen C0878544, MONDO:0004994, HP:0001638. Inheritance: Various modes of inheritance.

Submission:

Color Diagnostics, LLC DBA Color Health
Classification: Uncertain significance for Cardiomyopathy. Last evaluated: 2024-02-18. Review status: criteria provided, single submitter. Criteria: ACMG Guidelines, 2015. Collection method: clinical testing. Allele origin: germline.
Comment: This missense variant replaces lysine with glutamic acid at codon 325 of the RYR2 protein. Computational prediction is inconclusive regarding the impact of this variant on protein structure and function (internally defined REVEL score threshold 0.5 < inconclusive < 0.7, PMID: 27666373). To our knowledge, functional studies have not been reported for this variant. This variant has not been reported in individuals affected with RYR2-related disorders in the literature. This variant has not been identified in the general population by the Genome Aggregation Database (gnomAD). The available evidence is insufficient to determine the role of this variant in disease conclusively. Therefore, this variant is classified as a Variant of Uncertain Significance.

NM_001035.3(RYR2):c.973A>G (p.Lys325Glu)

Gene: RYR2 (ryanodine receptor 2; plus strand). Cytogenetic location: 1q43.
Variant type: single nucleotide variant.
Coding change: c.973A>G on transcript NM_001035.3 (MANE Select); coding-DNA position 973, A replaced by G.
Protein change: p.Lys325Glu; replaces lysine 325 with glutamic acid.
Molecular consequence: missense variant.
Genome position (GRCh38, 1-based): chr1:237,423,216, A>G. VCF-style: chr1-237423216-A-G. GRCh37 (hg19) VCF-style: chr1-237586516-A-G.
Other names: short protein forms K325E.
Identifiers: ClinVar variation 3894489 (VCV003894489.1).